The following is an entry in ClinVar:

ClinVar aggregate classification (germline): Likely benign (1 of 4 stars; one submission).

gnomAD v4.1: 33 of 398,662 alleles (0.0083%); highest among the groups gnomAD compares: Non-Finnish European, 0.013%; no homozygotes.

Submission:

CeGaT Center for Human Genetics Tuebingen
Classification: Likely benign. Last evaluated: 2026-01-01. Review status: criteria provided, single submitter. Criteria: CeGaT Center For Human Genetics Tuebingen Variant Classification Criteria Version 2. Collection method: clinical testing. Allele origin: germline. Affected: yes. Observed: 1 variant allele.
Comment: KCNQ1OT1: BS2

NM_000218.3(KCNQ1):c.1514+2742A>G

Genes: KCNQ1 (potassium voltage-gated channel subfamily Q member 1; plus strand), KCNQ1OT1 (KCNQ1 opposite strand/antisense transcript 1; minus strand). Cytogenetic location: 11p15.5.
Variant type: single nucleotide variant.
Coding change: c.1514+2742A>G on transcript NM_000218.3 (MANE Select); 2742 bases into the intron after coding-DNA position 1514, A replaced by G.
Molecular consequence: intron variant. On other transcripts: non-coding transcript variant (1).
Genome position (GRCh38, 1-based): chr11:2,664,823, A>G. VCF-style: chr11-2664823-A-G. GRCh37 (hg19) VCF-style: chr11-2686053-A-G.
Other names: c.1244+2742A>G (NM_001406837.1); c.1418+2742A>G (NM_001406836.1); c.974+2742A>G (NM_001406838.1); c.1133+2742A>G (NM_181798.2).
Identifiers: ClinVar variation 4823890 (VCV004823890.4).